The following is an entry in ClinVar:

ClinVar aggregate classification (germline): Benign. Review status: criteria provided, multiple submitters, no conflicts (2 of 4 stars). 8 submissions from 8 submitters: Benign (8). Last evaluated 2026-02-04.

Conditions:
Ectodermal dysplasia and immunodeficiency 2. Identifiers: Orphanet 238468, Orphanet 98813, MedGen C2677481, MONDO:0012806, OMIM 612132.

Allele frequency attached by ClinVar (database versions not stated): ESP Exome Variant Server 0.22869; TOPMed 0.22886; 1000 Genomes Project 30x 0.24141; 1000 Genomes Project 0.24441; gnomAD 0.24766 and 0.25160; gnomAD exomes 0.28364 and 0.29218; ExAC 0.34309.
gnomAD v4.1: 457,774 of 1,591,188 alleles (29%); highest among the groups gnomAD compares: South Asian, 32%; 68,258 homozygotes.

Submissions (8):

Labcorp Genetics (formerly Invitae), Labcorp
Classification: Benign for Ectodermal dysplasia and immunodeficiency 2. Last evaluated: 2026-02-04. Review status: criteria provided, single submitter. Criteria: Invitae Variant Classification Sherloc (09022015). Collection method: clinical testing. Allele origin: germline.

Women's Health and Genetics/Laboratory Corporation of America, LabCorp
Classification: Benign. Last evaluated: 2026-01-21. Review status: criteria provided, single submitter. Criteria: LabCorp Variant Classification Summary - May 2015. Collection method: clinical testing. Allele origin: germline.

ARUP Laboratories, Molecular Genetics and Genomics, ARUP Laboratories
Classification: Benign for Ectodermal dysplasia and immunodeficiency 2. Last evaluated: 2025-07-29. Review status: criteria provided, single submitter. Criteria: ARUP Molecular Germline Variant Investigation Process 2024. Collection method: clinical testing. Allele origin: germline.

Unidad de Genómica Garrahan, Hospital de Pediatría Garrahan
Classification: Benign. Last evaluated: 2023-11-12. Review status: criteria provided, single submitter. Criteria: ACMG Guidelines, 2015. Collection method: clinical testing. Allele origin: germline. Affected: no. Observed: 31 variant alleles.
Comment: This variant is classified as Benign based on local population frequency. This variant was detected in 32% of patients studied by a panel of primary immunodeficiencies. Number of patients: 31. Only high quality variants are reported.

Mayo Clinic Laboratories, Mayo Clinic
Classification: Benign. Last evaluated: 2018-04-19. Review status: criteria provided, single submitter. Criteria: ACMG Guidelines, 2015. Collection method: clinical testing. Allele origin: germline. Observed: 100 variant alleles.

Illumina Laboratory Services, Illumina
Classification: Benign for Ectodermal dysplasia and immunodeficiency 2. Last evaluated: 2018-01-13. Review status: criteria provided, single submitter. Criteria: ICSL Variant Classification Criteria 13 December 2019. Collection method: clinical testing. Allele origin: germline.
Comment: This variant was observed in the ICSL laboratory as part of a predisposition screen in an ostensibly healthy population. It had not been previously curated by ICSL or reported in the Human Gene Mutation Database (HGMD: prior to June 1st, 2018), and was therefore a candidate for classification through an automated scoring system. Utilizing variant allele frequency, disease prevalence and penetrance estimates, and inheritance mode, an automated score was calculated to assess if this variant is too frequent to cause the disease. Based on the score and internal cut-off values, a variant classified as benign is not then subjected to further curation. The score for this variant resulted in a classification of benign for this disease.

Laboratory for Molecular Medicine, Mass General Brigham Personalized Medicine
Classification: Benign. Last evaluated: 2016-03-29. Review status: criteria provided, single submitter. Criteria: LMM Criteria. Collection method: clinical testing. Allele origin: germline.
Comment: Variant identified in a genome or exome case(s) and assessed due to predicted null impact of the variant or pathogenic assertions in the literature or databases. Disclaimer: This variant has not undergone full assessment. The following are preliminary notes: Frequency

Breakthrough Genomics
Classification: Benign. Review status: criteria provided, single submitter. Criteria: ACMG Guidelines, 2015. Collection method: not provided. Allele origin: germline. Inheritance: Autosomal dominant inheritance. Affected: yes.

NM_020529.3(NFKBIA):c.81C>T (p.Asp27=)

Gene: NFKBIA (NFKB inhibitor alpha; minus strand). Cytogenetic location: 14q13.2.
Variant type: single nucleotide variant.
Coding change: c.81C>T on transcript NM_020529.3 (MANE Select); coding-DNA position 81, C replaced by T.
Protein change: p.Asp27=; no amino-acid change (aspartic acid 27 retained).
Molecular consequence: synonymous variant.
Genome position (GRCh38, 1-based): chr14:35,404,564, G>A on the plus strand (C>T on the coding strand, the complement: NFKBIA is on the minus strand). VCF-style: chr14-35404564-G-A. GRCh37 (hg19) VCF-style: chr14-35873770-G-A.
Other names: p.Asp27=.
Identifiers: ClinVar variation 313117 (VCV000313117.33), dbSNP rs1957106, ClinGen allele CA7155597.